The following is an entry in ClinVar:

NM_001384732.1(CPLANE1):c.6394C>T (p.Arg2132Cys)

Gene: CPLANE1 (ciliogenesis and planar polarity effector complex subunit 1; minus strand). Cytogenetic location: 5p13.2.
Variant type: single nucleotide variant.
Coding change: c.6394C>T on transcript NM_001384732.1 (MANE Select); coding-DNA position 6394, C replaced by T.
Protein change: p.Arg2132Cys; replaces arginine 2132 with cysteine.
Molecular consequence: missense variant.
Genome position (GRCh38, 1-based): chr5:37,170,109, G>A on the plus strand (C>T on the coding strand, the complement: CPLANE1 is on the minus strand). VCF-style: chr5-37170109-G-A. GRCh37 (hg19) VCF-style: chr5-37170211-G-A.
Other names: c.6394C>T, p.Arg2132Cys (NM_023073.4); short protein forms R2132C.
Identifiers: ClinVar variation 2144618 (VCV002144618.1), dbSNP rs578127199, ClinGen allele CA3238269.

ClinVar aggregate classification (germline): Uncertain significance (1 of 4 stars; one submission).

Allele frequency attached by ClinVar (database versions not stated): ExAC 0.00001; gnomAD exomes 0.00001.
gnomAD v4.1: 15 of 1,613,994 alleles (0.00093%); highest among the groups gnomAD compares: South Asian, 0.0022%; no homozygotes.

Submission:

Labcorp Genetics (formerly Invitae), Labcorp
Classification: Uncertain significance. Last evaluated: 2022-06-14. Review status: criteria provided, single submitter. Criteria: Invitae Variant Classification Sherloc (09022015). Collection method: clinical testing. Allele origin: germline.
Comment: This sequence change replaces arginine, which is basic and polar, with cysteine, which is neutral and slightly polar, at codon 2132 of the CPLANE1 protein (p.Arg2132Cys). This variant is present in population databases (rs578127199, gnomAD 0.006%). This variant has not been reported in the literature in individuals affected with CPLANE1-related conditions. Advanced modeling of protein sequence and biophysical properties (such as structural, functional, and spatial information, amino acid conservation, physicochemical variation, residue mobility, and thermodynamic stability) performed at Invitae indicates that this missense variant is not expected to disrupt CPLANE1 protein function. In summary, the available evidence is currently insufficient to determine the role of this variant in disease. Therefore, it has been classified as a Variant of Uncertain Significance.